The following is an entry in ClinVar:

ClinVar aggregate classification (germline): Benign/Likely benign. Review status: criteria provided, multiple submitters, no conflicts (2 of 4 stars). 3 submissions from 3 submitters: Benign (2); Likely benign (1). Last evaluated 2026-03-01.

Allele frequency attached by ClinVar (database versions not stated): ESP Exome Variant Server 0.00016; gnomAD exomes 0.00066 and 0.00293; gnomAD 0.00078 and 0.00089; TOPMed 0.00168; 1000 Genomes Project 0.00220; 1000 Genomes Project 30x 0.00234; ExAC 0.00284.
gnomAD v4.1: 1,081 of 1,613,366 alleles (0.067%); highest among the groups gnomAD compares: Admixed American, 1.3%; 10 homozygotes.

Submissions (3):

CeGaT Center for Human Genetics Tuebingen
Classification: Likely benign. Last evaluated: 2026-03-01. Review status: criteria provided, single submitter. Criteria: CeGaT Center For Human Genetics Tuebingen Variant Classification Criteria Version 2. Collection method: clinical testing. Allele origin: germline. Affected: yes. Observed: 1 variant allele.
Comment: DPP9: BP4, BP7, BS1

Labcorp Genetics (formerly Invitae), Labcorp
Classification: Benign. Last evaluated: 2018-07-02. Review status: criteria provided, single submitter. Criteria: Invitae Variant Classification Sherloc (09022015). Collection method: clinical testing. Allele origin: germline.

Breakthrough Genomics
Classification: Benign. Review status: criteria provided, single submitter. Criteria: ACMG Guidelines, 2015. Collection method: not provided. Allele origin: germline. Inheritance: Unknown mechanism. Affected: yes.

NM_139159.5(DPP9):c.249C>T (p.His83=)

Genes: DPP9 (dipeptidyl peptidase 9; minus strand), LOC126862842 (CDK7 strongly-dependent group 2 enhancer GRCh37_chr19:4713085-4714284; plus strand). Cytogenetic location: 19p13.3.
Variant type: single nucleotide variant.
Coding change: c.249C>T on transcript NM_139159.5 (MANE Select); coding-DNA position 249, C replaced by T.
Protein change: p.His83=; no amino-acid change (histidine 83 retained).
Molecular consequence: synonymous variant. On other transcripts: non-coding transcript variant (1).
Genome position (GRCh38, 1-based): chr19:4,714,145, G>A on the plus strand (C>T on the coding strand, the complement: DPP9 is on the minus strand). VCF-style: chr19-4714145-G-A. GRCh37 (hg19) VCF-style: chr19-4714157-G-A.
Other names: c.249C>T, p.His83= (NM_001365987.2).
Identifiers: ClinVar variation 778595 (VCV000778595.8), dbSNP rs192960415, ClinGen allele CA9104454.